The following is an entry in ClinVar:

ClinVar aggregate classification (germline): Uncertain significance (1 of 4 stars; one submission).

gnomAD v4.1: 64 of 1,613,658 alleles (0.004%); highest among the groups gnomAD compares: African/African-American, 0.076%; no homozygotes.

Submission:

Labcorp Genetics (formerly Invitae), Labcorp
Classification: Uncertain significance. Last evaluated: 2025-08-24. Review status: criteria provided, single submitter. Criteria: Invitae Variant Classification Sherloc (09022015). Collection method: clinical testing. Allele origin: germline.
Comment: This sequence change falls in intron 28 of the ARHGEF10 gene. It does not directly change the encoded amino acid sequence of the ARHGEF10 protein. It affects a nucleotide within the consensus splice site. This variant is present in population databases (rs376368684, gnomAD 0.07%), and has an allele count higher than expected for a pathogenic variant. This variant has not been reported in the literature in individuals affected with ARHGEF10-related conditions. Variants that disrupt the consensus splice site are a relatively common cause of aberrant splicing (PMID: 17576681, 9536098). Algorithms developed to predict the effect of sequence changes on RNA splicing suggest that this variant is not likely to affect RNA splicing. In summary, the available evidence is currently insufficient to determine the role of this variant in disease. Therefore, it has been classified as a Variant of Uncertain Significance.

Literature cited by the submitters: PubMed 17576681; PubMed 9536098.

NM_014629.4(ARHGEF10):c.3521-3C>T

Gene: ARHGEF10 (Rho guanine nucleotide exchange factor 10; plus strand). Cytogenetic location: 8p23.3.
Variant type: single nucleotide variant.
Coding change: c.3521-3C>T on transcript NM_014629.4 (MANE Select); 3 bases into the intron before coding-DNA position 3521, C replaced by T.
Molecular consequence: intron variant.
Genome position (GRCh38, 1-based): chr8:1,956,746, C>T. VCF-style: chr8-1956746-C-T. GRCh37 (hg19) VCF-style: chr8-1904912-C-T.
Other names: c.3404-3C>T (NM_001438092.1, NM_001438093.1); c.3524-3C>T (NM_001438091.1); c.3407-3C>T (NM_001308152.2); c.3284-3C>T (NM_001438094.1); c.3521-3C>T (NM_001308153.3).
Identifiers: ClinVar variation 4745558 (VCV004745558.1).